The following is an entry in ClinVar:

ClinVar aggregate classification (germline): Uncertain significance (1 of 4 stars; one submission).

Conditions:
Pfeiffer syndrome (ACS5). Also called: ACS V. Identifiers: Orphanet 710, MedGen C0220658, MONDO:0007043, OMIM 101600.
Hypogonadotropic hypogonadism 2 with or without anosmia (HH2). Also called: HYPOGONADOTROPIC HYPOGONADISM 2 WITH OR WITHOUT ANOSMIA, SUSCEPTIBILITY TO; HYPOGONADOTROPIC HYPOGONADISM 2 WITHOUT ANOSMIA, SUSCEPTIBILITY TO; HYPOGONADOTROPIC HYPOGONADISM 2 WITHOUT ANOSMIA; FGFR1-Related GnRH Deficiency (Kallmann Syndrome 2). Identifiers: Orphanet 478, MedGen C1563720, MONDO:0007844, OMIM 147950. Disease mechanism: loss of function.

Submission:

Labcorp Genetics (formerly Invitae), Labcorp
Classification: Uncertain significance for Pfeiffer syndrome; Hypogonadotropic hypogonadism 2 with or without anosmia. Last evaluated: 2021-09-05. Review status: criteria provided, single submitter. Criteria: Invitae Variant Classification Sherloc (09022015). Collection method: clinical testing. Allele origin: germline.
Comment: This sequence change replaces phenylalanine with serine at codon 114 of the FGFR1 protein (p.Phe114Ser). The phenylalanine residue is moderately conserved and there is a large physicochemical difference between phenylalanine and serine. In summary, the available evidence is currently insufficient to determine the role of this variant in disease. Therefore, it has been classified as a Variant of Uncertain Significance. Algorithms developed to predict the effect of missense changes on protein structure and function are either unavailable or do not agree on the potential impact of this missense change (SIFT: "Tolerated"; PolyPhen-2: "Probably Damaging"; Align-GVGD: "Class C0"). This variant has not been reported in the literature in individuals affected with FGFR1-related conditions. This variant is not present in population databases (ExAC no frequency).

NM_023110.3(FGFR1):c.341T>C (p.Phe114Ser)

Gene: FGFR1 (fibroblast growth factor receptor 1; minus strand). Cytogenetic location: 8p11.23.
Variant type: single nucleotide variant.
Coding change: c.341T>C on transcript NM_023110.3 (MANE Select); coding-DNA position 341, T replaced by C.
Protein change: p.Phe114Ser; replaces phenylalanine 114 with serine.
Molecular consequence: missense variant. On other transcripts: intron variant (5).
Genome position (GRCh38, 1-based): chr8:38,429,699, A>G on the plus strand (T>C on the coding strand, the complement: FGFR1 is on the minus strand). VCF-style: chr8-38429699-A-G. GRCh37 (hg19) VCF-style: chr8-38287217-A-G.
Other names: c.341T>C, p.Phe114Ser (NM_001174063.2, NM_001174065.2, NM_001354367.2 and 2 more transcripts); c.317T>C, p.Phe106Ser (NM_001174064.2); c.440T>C, p.Phe147Ser (NM_001174067.2); c.92-1264T>C (NM_001354368.2, NM_001354370.2, NM_023106.3 and 2 more transcripts); short protein forms F114S, F106S, F147S.
Identifiers: ClinVar variation 1379748 (VCV001379748.6), dbSNP rs2150955298, ClinGen allele CA370736157.